The following is an entry in ClinVar:

NM_006662.3(SRCAP):c.6113T>C (p.Ile2038Thr)

Gene: SRCAP (Snf2 related CREBBP activator protein; plus strand). Cytogenetic location: 16p11.2.
Variant type: single nucleotide variant.
Coding change: c.6113T>C on transcript NM_006662.3 (MANE Select); coding-DNA position 6113, T replaced by C.
Protein change: p.Ile2038Thr; replaces isoleucine 2038 with threonine.
Molecular consequence: missense variant.
Genome position (GRCh38, 1-based): chr16:30,729,558, T>C. VCF-style: chr16-30729558-T-C. GRCh37 (hg19) VCF-style: chr16-30740879-T-C.
Other names: short protein forms I2038T.
Identifiers: ClinVar variation 3371629 (VCV003371629.1).

ClinVar aggregate classification (germline): Uncertain significance (1 of 4 stars; one submission).

Submission:

GeneDx
Classification: Uncertain significance. Last evaluated: 2024-03-25. Review status: criteria provided, single submitter. Criteria: GeneDx Variant Classification Process June 2021. Collection method: clinical testing. Allele origin: germline. Affected: yes.
Comment: Not observed at significant frequency in large population cohorts (gnomAD); In silico analysis supports that this missense variant has a deleterious effect on protein structure/function; Has not been previously published as pathogenic or benign to our knowledge